The following is an entry in ClinVar:

ClinVar aggregate classification (germline): Uncertain significance (1 of 4 stars; one submission).

gnomAD v4.1: 1 of 1,606,630 alleles (0.000062%); highest among the groups gnomAD compares: South Asian, 0.0011%; no homozygotes.

Submission:

CeGaT Center for Human Genetics Tuebingen
Classification: Uncertain significance. Last evaluated: 2026-02-01. Review status: criteria provided, single submitter. Criteria: CeGaT Center For Human Genetics Tuebingen Variant Classification Criteria Version 2. Collection method: clinical testing. Allele origin: germline. Affected: yes. Observed: 1 variant allele.
Comment: CTNND1: PM2, BP4

NM_001085458.2(CTNND1):c.957-4T>C

Genes: CTNND1 (catenin delta 1; plus strand), TMX2-CTNND1 (TMX2-CTNND1 readthrough (NMD candidate); plus strand). Cytogenetic location: 11q12.1.
Variant type: single nucleotide variant.
Coding change: c.957-4T>C on transcript NM_001085458.2 (MANE Select); 4 bases into the intron before coding-DNA position 957, T replaced by C.
Molecular consequence: intron variant.
Genome position (GRCh38, 1-based): chr11:57,801,729, T>C. VCF-style: chr11-57801729-T-C. GRCh37 (hg19) VCF-style: chr11-57569201-T-C.
Other names: c.957-4T>C (NM_001206885.2, NM_001085459.2, NM_001085461.2 and 3 more transcripts); c.795-4T>C (NM_001206891.2, NM_001206889.2, NM_001206883.2 and 4 more transcripts); c.654-4T>C (NM_001085467.2, NM_001206890.2, NM_001085463.2 and 5 more transcripts).
Identifiers: ClinVar variation 4823210 (VCV004823210.4).
Genomic context (GRCh38, chr11:57,801,729, plus strand): 5'-GAATGTCCAGGAAGCTAGCCATAATGACTTGATGTATTCTCTTGGTTCTTCCAAAACTTC[T>C]CAGGAGCTATGAAGACATGATTGGTGAGGAGGTGCCATCGGATCAATACTACTGGGCTCC-3'